The following is an entry in ClinVar:

NM_005215.4(DCC):c.3880G>A (p.Gly1294Arg)

Gene: DCC (DCC netrin 1 receptor; plus strand). Cytogenetic location: 18q21.2.
Variant type: single nucleotide variant.
Coding change: c.3880G>A on transcript NM_005215.4 (MANE Select); coding-DNA position 3880, G replaced by A.
Protein change: p.Gly1294Arg; replaces glycine 1294 with arginine.
Molecular consequence: missense variant.
Genome position (GRCh38, 1-based): chr18:53,486,940, G>A. VCF-style: chr18-53486940-G-A. GRCh37 (hg19) VCF-style: chr18-51013310-G-A.
Other names: short protein forms G1294R.
Identifiers: ClinVar variation 3069043 (VCV003069043.3), dbSNP rs532188333, ClinGen allele CA8967655.

ClinVar aggregate classification (germline): Uncertain significance. Review status: criteria provided, multiple submitters, no conflicts (2 of 4 stars). 2 submissions from 2 submitters: Uncertain significance (2). Last evaluated 2024-02-12.

Conditions:
Mirror movements 1 and/or agenesis of the corpus callosum. Identifiers: MedGen CN322311, MONDO:0100515.

Allele frequency attached by ClinVar (database versions not stated): gnomAD 0.00006; TOPMed 0.00006; ExAC 0.00007; gnomAD exomes 0.00010.
gnomAD v4.1: 147 of 1,614,018 alleles (0.0091%); highest among the groups gnomAD compares: Middle Eastern, 0.016%; no homozygotes.

Submissions (2):

Women's Health and Genetics/Laboratory Corporation of America, LabCorp
Classification: Uncertain significance. Last evaluated: 2024-02-12. Review status: criteria provided, single submitter. Criteria: LabCorp Variant Classification Summary - May 2015. Collection method: clinical testing. Allele origin: germline.
Comment: Variant summary: DCC c.3880G>A (p.Gly1294Arg) results in a non-conservative amino acid change located in the Neogenin, C-terminal domain (IPR010560) of the encoded protein sequence. Three of five in-silico tools predict a damaging effect of the variant on protein function. The variant allele was found at a frequency of 7.6e-05 in 251356 control chromosomes. To our knowledge, no occurrence of c.3880G>A in individuals affected with Mirror Movements 1 and no experimental evidence demonstrating its impact on protein function have been reported. No submitters have cited clinical-significance assessments for this variant to ClinVar. Based on the evidence outlined above, the variant was classified as uncertain significance.

Department of Pathology and Laboratory Medicine, Sinai Health System
Classification: Uncertain significance for mirror movements 1 and/or agenesis of the corpus callosum. Last evaluated: 2020-06-01. Review status: criteria provided, single submitter. Criteria: ACMG Guidelines, 2015. Collection method: research. Allele origin: germline.